The following is an entry in ClinVar:

ClinVar aggregate classification (germline): Uncertain significance (1 of 4 stars; one submission).

Conditions:
Hepatic veno-occlusive disease-immunodeficiency syndrome. Also called: Hepatic Veno-Occlusive Disease with Immunodeficiency. Identifiers: Orphanet 79124, MedGen C1856128, MONDO:0009338, OMIM 235550. Disease mechanism: loss of function.

Submission:

Labcorp Genetics (formerly Invitae), Labcorp
Classification: Uncertain significance for Hepatic veno-occlusive disease-immunodeficiency syndrome. Last evaluated: 2019-05-14. Review status: criteria provided, single submitter. Criteria: Invitae Variant Classification Sherloc (09022015). Collection method: clinical testing. Allele origin: germline.
Comment: In summary, the available evidence is currently insufficient to determine the role of this variant in disease. Therefore, it has been classified as a Variant of Uncertain Significance. This variant has not been reported in the literature in individuals with SP110-related conditions. This variant results in a copy number gain of the genomic region encompassing exons 1-12 of the SP110 gene, which includes the initiator codon. The 5' end of this event is unknown as it extends beyond the assayed region for this gene and therefore may encompass additional genes. The 3' boundary is likely confined to intron 12 of the SP110 gene. As the precise location of this event is unknown, it may be in tandem or it may be located elsewhere in the genome.

NC_000002.11:g.(?_231048268)_(231086456_?)dup

Gene: SP110 (SP110 nuclear body protein; minus strand). Cytogenetic location: 2q37.1.
Variant type: Duplication.
Identifiers: ClinVar variation 832761 (VCV000832761.3).